The following is an entry in ClinVar:

NM_005215.4(DCC):c.3682C>T (p.Arg1228Ter)

Gene: DCC (DCC netrin 1 receptor; plus strand). Cytogenetic location: 18q21.2.
Variant type: single nucleotide variant.
Coding change: c.3682C>T on transcript NM_005215.4 (MANE Select); coding-DNA position 3682, C replaced by T.
Protein change: p.Arg1228Ter; replaces arginine 1228 with a stop codon.
Molecular consequence: nonsense.
Genome position (GRCh38, 1-based): chr18:53,467,956, C>T. VCF-style: chr18-53467956-C-T. GRCh37 (hg19) VCF-style: chr18-50994326-C-T.
Other names: c.3682C>T (NM_005215.3); short protein forms R1228*.
Identifiers: ClinVar variation 1072844 (VCV001072844.8), dbSNP rs771557879, ClinGen allele CA8967591.

ClinVar aggregate classification (germline): Pathogenic. Review status: criteria provided, multiple submitters, no conflicts (2 of 4 stars). 2 submissions from 2 submitters: Pathogenic (2). Last evaluated 2026-07-06.

Conditions:
Inborn genetic diseases. Identifiers: MedGen C0950123, MeSH D030342.

Allele frequency attached by ClinVar (database versions not stated): gnomAD exomes below 0.00001; ExAC 0.00001; gnomAD 0.00001.
gnomAD v4.1: 2 of 1,613,000 alleles (0.00012%); highest among the groups gnomAD compares: Admixed American, 0.0017%; no homozygotes.

Submissions (2):

Ambry Genetics
Classification: Pathogenic for Inborn genetic diseases. Last evaluated: 2026-07-06. Review status: criteria provided, single submitter. Criteria: Ambry Variant Classification Scheme 2023. Collection method: clinical testing. Allele origin: germline.
Comment: The c.3682C>T (p.R1228*) alteration, located in exon 25 (coding exon 25) of the DCC gene, consists of a C to T substitution at nucleotide position 3682. This changes the amino acid from an arginine (R) to a stop codon at amino acid position 1228. This variant is expected to result in loss of function by premature protein truncation or nonsense-mediated mRNA decay. Based on data from gnomAD, the T allele has an overall frequency of <0.001% (1/251066) total alleles studied. The highest observed frequency was 0.003% (1/34566) of Latino alleles. Based on the available evidence, this alteration is classified as pathogenic.

Labcorp Genetics (formerly Invitae), Labcorp
Classification: Pathogenic. Last evaluated: 2018-05-12. Review status: criteria provided, single submitter. Criteria: Invitae Variant Classification Sherloc (09022015). Collection method: clinical testing. Allele origin: germline.
Comment: For these reasons, this variant has been classified as Pathogenic. Loss-of-function variants in DCC are known to be pathogenic (PMID: 24808016). This variant has not been reported in the literature in individuals with DCC-related disease. This variant is present in population databases (rs771557879, ExAC 0.009%). This sequence change creates a premature translational stop signal (p.Arg1228*) in the DCC gene. It is expected to result in an absent or disrupted protein product.

Literature cited by the submitters: PubMed 24808016 (cited by Labcorp Genetics (formerly Invitae), Labcorp).